The following is an entry in ClinVar:

NM_182919.4(TICAM1):c.1813G>A (p.Ala605Thr)

Gene: TICAM1 (TIR domain containing adaptor molecule 1; minus strand). Cytogenetic location: 19p13.3.
Variant type: single nucleotide variant.
Coding change: c.1813G>A on transcript NM_182919.4 (MANE Select); coding-DNA position 1813, G replaced by A.
Protein change: p.Ala605Thr; replaces alanine 605 with threonine.
Molecular consequence: missense variant.
Genome position (GRCh38, 1-based): chr19:4,816,565, C>T on the plus strand (G>A on the coding strand, the complement: TICAM1 is on the minus strand). VCF-style: chr19-4816565-C-T. GRCh37 (hg19) VCF-style: chr19-4816577-C-T.
Other names: short protein forms A605T.
Identifiers: ClinVar variation 934852 (VCV000934852.10), dbSNP rs2093585623, ClinGen allele CA403488769.
Genomic context (GRCh38, chr19:4,816,565, plus strand): 5'-GCCAAGTGGGAAAGGGTGGCGGGGCTCCCAGGGGCACCTGGCCCCCAAAGGGCATTCGAG[C>T]CCCATAGGGCGCCCCAGTCCCAAATGACATGTGGCTCCCAAAAGCCACCTGGAGCTGCTC-3'
Protein context (NP_891549.1, residues 595-615): MSFGTGAPYG[Ala605Thr]RMPFGGQVPL

ClinVar aggregate classification (germline): Uncertain significance (1 of 4 stars; one submission).

Conditions:
Encephalopathy, acute, infection-induced (herpes-specific), susceptibility to, 6. Also called: Herpes simplex encephalitis, susceptibility to, 4. Identifiers: Orphanet 1930, MedGen C3553869, MONDO:0013921, OMIM 614850.

gnomAD v4.1: 1 of 1,611,744 alleles (0.000062%); highest among the groups gnomAD compares: Non-Finnish European, 0.000085%; no homozygotes.

Submission:

Labcorp Genetics (formerly Invitae), Labcorp
Classification: Uncertain significance for Encephalopathy, acute, infection-induced (herpes-specific), susceptibility to, 6. Last evaluated: 2021-07-24. Review status: criteria provided, single submitter. Criteria: Invitae Variant Classification Sherloc (09022015). Collection method: clinical testing. Allele origin: germline.
Comment: This sequence change replaces alanine with threonine at codon 605 of the TICAM1 protein (p.Ala605Thr). The alanine residue is weakly conserved and there is a small physicochemical difference between alanine and threonine. This variant is not present in population databases (ExAC no frequency). In summary, the available evidence is currently insufficient to determine the role of this variant in disease. Therefore, it has been classified as a Variant of Uncertain Significance. Algorithms developed to predict the effect of missense changes on protein structure and function (SIFT, PolyPhen-2, Align-GVGD) all suggest that this variant is likely to be tolerated, but these predictions have not been confirmed by published functional studies and their clinical significance is uncertain. This variant has not been reported in the literature in individuals with TICAM1-related conditions.